The following is an entry in ClinVar:

ClinVar aggregate classification (germline): Pathogenic (1 of 4 stars; one submission).

Conditions:
Hereditary cancer-predisposing syndrome. Also called: Neoplastic Syndromes, Hereditary; Tumor predisposition; Hereditary Cancer Syndrome; Hereditary neoplastic syndrome. Identifiers: Orphanet 140162, MedGen C0027672, MeSH D009386, MONDO:0015356.

Submission:

Ambry Genetics
Classification: Pathogenic for Hereditary cancer-predisposing syndrome. Last evaluated: 2026-01-06. Review status: criteria provided, single submitter. Criteria: Ambry Variant Classification Scheme 2023. Collection method: clinical testing. Allele origin: germline.
Comment: The c.1365_1373delGTTACGATGinsACGTT pathogenic mutation, located in coding exon 9 of the ATM gene, results from the deletion of 9 nucleotides and insertion of 5 nucleotides causing a translational frameshift with a predicted alternate stop codon (p.L456Rfs*16). This variant is considered to be rare based on population cohorts in the Genome Aggregation Database (gnomAD). This alteration is expected to result in loss of function by premature protein truncation or nonsense-mediated mRNA decay. As such, this alteration is interpreted as a disease-causing mutation.

NM_000051.4(ATM):c.1365_1373delinsACGTT (p.Leu456fs)

Gene: ATM (ATM serine/threonine kinase; plus strand). Cytogenetic location: 11q22.3.
Variant type: Indel.
Coding change: c.1365_1373delinsACGTT on transcript NM_000051.4 (MANE Select); coding-DNA positions 1365 to 1373, GTTACGATG replaced by ACGTT.
Protein change: p.Leu456fs; shifts the reading frame from leucine 456.
Molecular consequence: frameshift variant.
Genome position (GRCh38, 1-based): chr11:108,250,830-108,250,838, GTTACGATG replaced by ACGTT. VCF-style: chr11-108250830-GTTACGATG-ACGTT. GRCh37 (hg19) VCF-style: chr11-108121557-GTTACGATG-ACGTT.
Other names: c.1365_1373delinsACGTT, p.Leu456fs (NM_001351834.2); short protein forms L456fs.
Identifiers: ClinVar variation 4843914 (VCV004843914.1).